The following is an entry in ClinVar:

NM_001242957.3(MAK):c.494A>T (p.Tyr165Phe)

Gene: MAK (male germ cell associated kinase; minus strand). Cytogenetic location: 6p24.2.
Variant type: single nucleotide variant.
Coding change: c.494A>T on transcript NM_001242957.3 (MANE Select); coding-DNA position 494, A replaced by T.
Protein change: p.Tyr165Phe; replaces tyrosine 165 with phenylalanine.
Molecular consequence: missense variant. On other transcripts: non-coding transcript variant (2).
Genome position (GRCh38, 1-based): chr6:10,803,889, T>A on the plus strand (A>T on the coding strand, the complement: MAK is on the minus strand). VCF-style: chr6-10803889-T-A. GRCh37 (hg19) VCF-style: chr6-10804122-T-A.
Other names: c.494A>T, p.Tyr165Phe (NM_001242385.2, NM_005906.6); c.392A>T, p.Tyr131Phe (NM_001377262.1); short protein forms Y131F, Y165F.
Identifiers: ClinVar variation 1414522 (VCV001414522.6), dbSNP rs2127558580, ClinGen allele CA362720714.

ClinVar aggregate classification (germline): Uncertain significance (1 of 4 stars; one submission).

Allele frequency attached by ClinVar (database versions not stated): gnomAD exomes below 0.00001.

Submission:

Labcorp Genetics (formerly Invitae), Labcorp
Classification: Uncertain significance. Last evaluated: 2022-09-19. Review status: criteria provided, single submitter. Criteria: Invitae Variant Classification Sherloc (09022015). Collection method: clinical testing. Allele origin: germline.
Comment: Experimental studies and prediction algorithms are not available or were not evaluated, and the functional significance of this variant is currently unknown. In summary, the available evidence is currently insufficient to determine the role of this variant in disease. Therefore, it has been classified as a Variant of Uncertain Significance. ClinVar contains an entry for this variant (Variation ID: 1414522). This sequence change replaces tyrosine, which is neutral and polar, with phenylalanine, which is neutral and non-polar, at codon 165 of the MAK protein (p.Tyr165Phe). This variant is not present in population databases (gnomAD no frequency). This variant has not been reported in the literature in individuals affected with MAK-related conditions.